The following is an entry in ClinVar:

NM_001278512.2(AP3B2):c.2740T>C (p.Phe914Leu)

Genes: AP3B2 (adaptor related protein complex 3 subunit beta 2; minus strand), CPEB1-AS1 (CPEB1 antisense RNA 1; plus strand). Cytogenetic location: 15q25.2.
Variant type: single nucleotide variant.
Coding change: c.2740T>C on transcript NM_001278512.2 (MANE Select); coding-DNA position 2740, T replaced by C.
Protein change: p.Phe914Leu; replaces phenylalanine 914 with leucine.
Molecular consequence: missense variant.
Genome position (GRCh38, 1-based): chr15:82,662,787, A>G on the plus strand (T>C on the coding strand, the complement: AP3B2 is on the minus strand). VCF-style: chr15-82662787-A-G. GRCh37 (hg19) VCF-style: chr15-83331539-A-G.
Other names: c.2587T>C, p.Phe863Leu (NM_001278511.2); c.2683T>C, p.Phe895Leu (NM_004644.5); short protein forms F863L, F914L, F895L.
Identifiers: ClinVar variation 1523444 (VCV001523444.8), dbSNP rs2151427646, ClinGen allele CA393308466.
Genomic context (GRCh38, chr15:82,662,787, plus strand): 5'-CAGGCAGTTTGGGAGTGCCCACATGCAGGCCCTTGATGGGGGTATCAGAGCTGTTGGAGA[A>G]GTGGATGTGCACGGACACCATGTGGGGATCCCCGGAGAAAGGTTGGCGGCTGAAGGTGTA-3'
Protein context (NP_001265441.1, residues 904-924): DPHMVSVHIH[Phe914Leu]SNSSDTPIKG

ClinVar aggregate classification (germline): Uncertain significance (1 of 4 stars; one submission).

Submission:

Labcorp Genetics (formerly Invitae), Labcorp
Classification: Uncertain significance. Last evaluated: 2021-04-05. Review status: criteria provided, single submitter. Criteria: Invitae Variant Classification Sherloc (09022015). Collection method: clinical testing. Allele origin: germline.
Comment: In summary, the available evidence is currently insufficient to determine the role of this variant in disease. Therefore, it has been classified as a Variant of Uncertain Significance. Algorithms developed to predict the effect of missense changes on protein structure and function (SIFT, PolyPhen-2, Align-GVGD) all suggest that this variant is likely to be tolerated, but these predictions have not been confirmed by published functional studies and their clinical significance is uncertain. This variant has not been reported in the literature in individuals with AP3B2-related conditions. This variant is not present in population databases (ExAC no frequency). This sequence change replaces phenylalanine with leucine at codon 895 of the AP3B2 protein (p.Phe895Leu). The phenylalanine residue is moderately conserved and there is a small physicochemical difference between phenylalanine and leucine.